The following is an entry in ClinVar:

NM_006565.4(CTCF):c.1747G>T (p.Val583Leu)

Gene: CTCF (CCCTC-binding factor; plus strand). Cytogenetic location: 16q22.1.
Variant type: single nucleotide variant.
Coding change: c.1747G>T on transcript NM_006565.4 (MANE Select); coding-DNA position 1747, G replaced by T.
Protein change: p.Val583Leu; replaces valine 583 with leucine.
Molecular consequence: missense variant.
Genome position (GRCh38, 1-based): chr16:67,629,443, G>T. VCF-style: chr16-67629443-G-T. GRCh37 (hg19) VCF-style: chr16-67663346-G-T.
Other names: c.763G>T, p.Val255Leu (NM_001191022.2); c.1747G>T, p.Val583Leu (NM_001363916.2); short protein forms V583L, V255L.
Identifiers: ClinVar variation 2824745 (VCV002824745.3), dbSNP rs771793540, ClinGen allele CA396321680.

ClinVar aggregate classification (germline): Likely pathogenic (1 of 4 stars; one submission).

Submission:

Labcorp Genetics (formerly Invitae), Labcorp
Classification: Likely pathogenic. Last evaluated: 2022-12-29. Review status: criteria provided, single submitter. Criteria: Invitae Variant Classification Sherloc (09022015). Collection method: clinical testing. Allele origin: germline.
Comment: This sequence change replaces valine, which is neutral and non-polar, with leucine, which is neutral and non-polar, at codon 583 of the CTCF protein (p.Val583Leu). This variant is not present in population databases (gnomAD no frequency). This missense change has been observed in individual(s) with clinical features of CTCF-related conditions (Invitae). In at least one individual the variant was observed to be de novo. Algorithms developed to predict the effect of missense changes on protein structure and function (SIFT, PolyPhen-2, Align-GVGD) all suggest that this variant is likely to be tolerated. In summary, the currently available evidence indicates that the variant is pathogenic, but additional data are needed to prove that conclusively. Therefore, this variant has been classified as Likely Pathogenic.